The following is an entry in ClinVar:

ClinVar aggregate classification (germline): Uncertain significance (1 of 4 stars; one submission).

Conditions:
Inborn genetic diseases. Identifiers: MedGen C0950123, MeSH D030342.

Submission:

Ambry Genetics
Classification: Uncertain significance for Inborn genetic diseases. Last evaluated: 2025-11-10. Review status: criteria provided, single submitter. Criteria: Ambry Variant Classification Scheme 2023. Collection method: clinical testing. Allele origin: germline.
Comment: The p.P80L variant (also known as c.239C>T), located in coding exon 2 of the G6PC3 gene, results from a C to T substitution at nucleotide position 239. The proline at codon 80 is replaced by leucine, an amino acid with similar properties. This amino acid position is conserved. In addition, this alteration is predicted to be deleterious by in silico analysis. Based on the available evidence, the clinical significance of this variant remains unclear.

NM_138387.4(G6PC3):c.239C>T (p.Pro80Leu)

Gene: G6PC3 (glucose-6-phosphatase catalytic subunit 3; plus strand). Cytogenetic location: 17q21.31.
Variant type: single nucleotide variant.
Coding change: c.239C>T on transcript NM_138387.4 (MANE Select); coding-DNA position 239, C replaced by T.
Protein change: p.Pro80Leu; replaces proline 80 with leucine.
Molecular consequence: missense variant. On other transcripts: 5 prime UTR variant (4).
Genome position (GRCh38, 1-based): chr17:44,074,180, C>T. VCF-style: chr17-44074180-C-T. GRCh37 (hg19) VCF-style: chr17-42151548-C-T.
Other names: c.239C>T, p.Pro80Leu (NM_001319945.2); c.-107C>T (NM_001384165.1, NM_001384166.1, NM_001384167.1 and 1 more transcripts); short protein forms P80L.
Identifiers: ClinVar variation 4620513 (VCV004620513.1).